The following is an entry in ClinVar:

NM_001166114.2(PNPLA6):c.1005+1G>T

Gene: PNPLA6 (patatin like domain 6, lysophospholipase; plus strand). Cytogenetic location: 19p13.2.
Variant type: single nucleotide variant.
Coding change: c.1005+1G>T on transcript NM_001166114.2 (MANE Select); the canonical splice donor site of the intron after coding-DNA position 1005, G replaced by T.
Molecular consequence: splice donor variant.
Genome position (GRCh38, 1-based): chr19:7,541,435, G>T. VCF-style: chr19-7541435-G-T. GRCh37 (hg19) VCF-style: chr19-7606321-G-T.
Other names: c.888+1G>T (NM_006702.5, NM_001166112.2, NM_001166113.1); c.1032+1G>T (NM_001166111.2).
Identifiers: ClinVar variation 1493871 (VCV001493871.6), dbSNP rs772913881, ClinGen allele CA403108514.

ClinVar aggregate classification (germline): Likely pathogenic (1 of 4 stars; one submission).

Conditions:
Hereditary spastic paraplegia 39 (SPG39). Also called: SPASTIC PARAPLEGIA 39, AUTOSOMAL RECESSIVE; Spastic Paraplegia Type 39 (SPG39). Identifiers: Orphanet 139480, MedGen C2677586, MONDO:0012787, OMIM 612020.

Allele frequency attached by ClinVar (database versions not stated): gnomAD exomes below 0.00001.
gnomAD v4.1: 1 of 1,613,538 alleles (0.000062%); highest among the groups gnomAD compares: Non-Finnish European, 0.000085%; no homozygotes.

Submission:

Labcorp Genetics (formerly Invitae), Labcorp
Classification: Likely pathogenic for Hereditary spastic paraplegia 39. Last evaluated: 2021-08-31. Review status: criteria provided, single submitter. Criteria: Invitae Variant Classification Sherloc (09022015). Collection method: clinical testing. Allele origin: germline.
Comment: In summary, the currently available evidence indicates that the variant is pathogenic, but additional data are needed to prove that conclusively. Therefore, this variant has been classified as Likely Pathogenic. Algorithms developed to predict the effect of sequence changes on RNA splicing suggest that this variant may disrupt the consensus splice site. This variant has not been reported in the literature in individuals affected with PNPLA6-related conditions. This variant is not present in population databases (ExAC no frequency). This sequence change affects a donor splice site in intron 11 of the PNPLA6 gene. It is expected to disrupt RNA splicing. Variants that disrupt the donor or acceptor splice site typically lead to a loss of protein function (PMID: 16199547), and loss-of-function variants in PNPLA6 are known to be pathogenic (PMID: 24355708).

Literature cited by the submitters: PubMed 16199547; PubMed 24355708.